The following is an entry in ClinVar:

ClinVar aggregate classification (germline): Uncertain significance. Review status: criteria provided, multiple submitters, no conflicts (2 of 4 stars). 2 submissions from 2 submitters: Uncertain significance (2). Last evaluated 2025-10-02.

Conditions:
Inborn genetic diseases. Identifiers: MedGen C0950123, MeSH D030342.

Allele frequency attached by ClinVar (database versions not stated): ExAC 0.00001; gnomAD exomes 0.00001; gnomAD 0.00003; TOPMed 0.00005; ESP Exome Variant Server 0.00008.
gnomAD v4.1: 24 of 1,606,104 alleles (0.0015%); highest among the groups gnomAD compares: African/African-American, 0.0027%; no homozygotes.

Submissions (2):

Ambry Genetics
Classification: Uncertain significance for Inborn genetic diseases. Last evaluated: 2025-10-02. Review status: criteria provided, single submitter. Criteria: Ambry Variant Classification Scheme 2023. Collection method: clinical testing. Allele origin: germline.

Labcorp Genetics (formerly Invitae), Labcorp
Classification: Uncertain significance. Last evaluated: 2025-01-28. Review status: criteria provided, single submitter. Criteria: Invitae Variant Classification Sherloc (09022015). Collection method: clinical testing. Allele origin: germline.
Comment: This sequence change replaces valine, which is neutral and non-polar, with isoleucine, which is neutral and non-polar, at codon 256 of the XPR1 protein (p.Val256Ile). This variant is present in population databases (rs368033296, gnomAD 0.005%). This variant has not been reported in the literature in individuals affected with XPR1-related conditions. ClinVar contains an entry for this variant (Variation ID: 2728916). An algorithm developed to predict the effect of missense changes on protein structure and function outputs the following: PolyPhen-2: "Benign". The isoleucine amino acid residue is found in multiple mammalian species, which suggests that this missense change does not adversely affect protein function. In summary, the available evidence is currently insufficient to determine the role of this variant in disease. Therefore, it has been classified as a Variant of Uncertain Significance.

NM_004736.4(XPR1):c.766G>A (p.Val256Ile)

Gene: XPR1 (xenotropic and polytropic retrovirus receptor 1; plus strand). Cytogenetic location: 1q25.3.
Variant type: single nucleotide variant.
Coding change: c.766G>A on transcript NM_004736.4 (MANE Select); coding-DNA position 766, G replaced by A.
Protein change: p.Val256Ile; replaces valine 256 with isoleucine.
Molecular consequence: missense variant. On other transcripts: non-coding transcript variant (1).
Genome position (GRCh38, 1-based): chr1:180,824,755, G>A. VCF-style: chr1-180824755-G-A. GRCh37 (hg19) VCF-style: chr1-180793891-G-A.
Other names: c.766G>A (NM_004736.3); c.766G>A, p.Val256Ile (NM_001135669.2, NM_001328662.2); short protein forms V256I.
Identifiers: ClinVar variation 2728916 (VCV002728916.4), dbSNP rs368033296, ClinGen allele CA1272629.